The following is an entry in ClinVar:

NM_152328.5(ADSS1):c.193-5057T>C

Gene: ADSS1 (adenylosuccinate synthase 1; plus strand). Cytogenetic location: 14q32.33.
Variant type: single nucleotide variant.
Coding change: c.193-5057T>C on transcript NM_152328.5 (MANE Select); 5057 bases into the intron before coding-DNA position 193, T replaced by C.
Molecular consequence: intron variant. On other transcripts: 5 prime UTR variant (1), missense variant (1).
Genome position (GRCh38, 1-based): chr14:104,729,963, T>C. VCF-style: chr14-104729963-T-C. GRCh37 (hg19) VCF-style: chr14-105196300-T-C.
Other names: c.-657T>C (NM_001320424.1); c.71T>C, p.Leu24Pro (NM_199165.2); short protein forms L24P.
Identifiers: ClinVar variation 2075161 (VCV002075161.4), dbSNP rs2541995835, ClinGen allele CA391232497.

ClinVar aggregate classification (germline): Uncertain significance (1 of 4 stars; one submission).

Submission:

Labcorp Genetics (formerly Invitae), Labcorp
Classification: Uncertain significance. Last evaluated: 2022-01-27. Review status: criteria provided, single submitter. Criteria: Invitae Variant Classification Sherloc (09022015). Collection method: clinical testing. Allele origin: germline.
Comment: In summary, the available evidence is currently insufficient to determine the role of this variant in disease. Therefore, it has been classified as a Variant of Uncertain Significance. Experimental studies and prediction algorithms are not available or were not evaluated, and the functional significance of this variant is currently unknown. This variant has not been reported in the literature in individuals affected with ADSSL1-related conditions. This variant is not present in population databases (gnomAD no frequency). This sequence change replaces leucine, which is neutral and non-polar, with proline, which is neutral and non-polar, at codon 24 of the ADSSL1 protein (p.Leu24Pro).